The following is an entry in ClinVar:

ClinVar aggregate classification (germline): Likely pathogenic. Review status: no assertion criteria provided (0 of 4 stars). 2 submissions from 2 submitters: Likely pathogenic (2). Last evaluated 2022-06-01.

Conditions:
Neurodevelopmental disorder. Identifiers: MedGen C1535926, MeSH D065886, MONDO:0700092.
Neurodevelopmental disorder with behavioral abnormalities, absent speech, and hypotonia. Identifiers: MedGen C5231471, MONDO:0032878, OMIM 618718.

Allele frequency attached by ClinVar (database versions not stated): gnomAD exomes below 0.00001.
gnomAD v4.1: 1 of 1,612,882 alleles (0.000062%); highest among the groups gnomAD compares: Non-Finnish European, 0.000085%; no homozygotes.

Submissions (2):

Solve-RD Consortium
Classification: Likely pathogenic for Neurodevelopmental disorder with behavioral abnormalities, absent speech, and hypotonia. Last evaluated: 2022-06-01. Review status: no assertion criteria provided. Collection method: provider interpretation. Allele origin: inherited. Affected: yes.
Comment: Variant confirmed as disease-causing by referring clinical team

Variant identified during reanalysis of unsolved cases by the Solve-RD project. The Solve-RD project has received funding from the European Union’s Horizon 2020 research and innovation programme under grant agreement No 779257.

Lupski Lab, Baylor-Hopkins CMG, Baylor College of Medicine
Classification: Likely pathogenic for Neurodevelopmental disorder. Last evaluated: 2019-09-18. Review status: no assertion criteria provided. Collection method: research. Allele origin: inherited. Inheritance: Autosomal recessive inheritance. Affected: yes.

Literature cited by the submitters: PubMed 39825153 (cited by Solve-RD Consortium).

NM_032536.4(NTNG2):c.599C>T (p.Ser200Leu)

Gene: NTNG2 (netrin G2; plus strand). Cytogenetic location: 9q34.13.
Variant type: single nucleotide variant.
Coding change: c.599C>T on transcript NM_032536.4 (MANE Select); coding-DNA position 599, C replaced by T.
Protein change: p.Ser200Leu; replaces serine 200 with leucine.
Molecular consequence: missense variant.
Genome position (GRCh38, 1-based): chr9:132,198,351, C>T. VCF-style: chr9-132198351-C-T. GRCh37 (hg19) VCF-style: chr9-135073738-C-T.
Other names: short protein forms S200L.
Identifiers: ClinVar variation 691561 (VCV000691561.2), dbSNP rs1227245973, ClinGen allele CA375323222.
Genomic context (GRCh38, chr9:132,198,351, plus strand): 5'-GCCGGGCCCGCGACATGTCATCCTCCAGCGCGCACCGCGTGCTCTGCACCGAGGAGTACT[C>T]GCGCTGGGCAGGCTCCAAGAAGGAGAAGCACGTGCGCTTCGAGGTGCGGGACCGCTTCGC-3'
Protein context (NP_115925.2, residues 190-210): AHRVLCTEEY[Ser200Leu]RWAGSKKEKH